The following is an entry in ClinVar:

ClinVar aggregate classification (germline): Uncertain significance (1 of 4 stars; one submission).

Conditions:
Pitt-Hopkins-like syndrome 2 (PTHSL2). Identifiers: Orphanet 221150, Orphanet 600663, MedGen C3280479, MONDO:0013690, OMIM 614325.

Submission:

Centre for Mendelian Genomics, University Medical Centre Ljubljana
Classification: Uncertain significance for Pitt-Hopkins-like syndrome 2. Last evaluated: 2019-05-07. Review status: criteria provided, single submitter. Criteria: ACMG Guidelines, 2015. Collection method: clinical testing. Allele origin: unknown. Affected: yes.
Comment: This variant was classified as: Uncertain significance. The available evidence on this variant's pathogenicity is insufficient or conflicting. The following ACMG criteria were applied in classifying this variant: PM2.

NM_001330078.2(NRXN1):c.3365-109952G>T

Gene: NRXN1 (neurexin 1; minus strand). Cytogenetic location: 2p16.3.
Variant type: single nucleotide variant.
Coding change: c.3365-109952G>T on transcript NM_001330078.2 (MANE Select); 109952 bases into the intron before coding-DNA position 3365, G replaced by T.
Molecular consequence: intron variant. On other transcripts: missense variant (4).
Genome position (GRCh38, 1-based): chr2:50,346,922, C>A on the plus strand (G>T on the coding strand, the complement: NRXN1 is on the minus strand). VCF-style: chr2-50346922-C-A. GRCh37 (hg19) VCF-style: chr2-50574060-C-A.
Other names: c.3254-109952G>T (NM_001330096.2, NM_001330087.2); c.3299-109952G>T (NM_001330083.2, NM_001330084.2); c.3284-109952G>T (NM_001330088.2); c.3362-109952G>T (NM_001330093.2); c.3353-109952G>T (NM_001330094.2); c.3314-109952G>T (NM_001330095.2); c.3341-109952G>T (NM_001330082.2, NM_001330077.2); c.3338-109952G>T (NM_001330085.2); and 3 more; short protein forms A10S.
Identifiers: ClinVar variation 931071 (VCV000931071.3), dbSNP rs2078036798, ClinGen allele CA346820694.